The following is an entry in ClinVar:

ClinVar aggregate classification (germline): Pathogenic (0 of 4 stars; one submission).

Submission:

Broad Center for Mendelian Genomics, Broad Institute of MIT and Harvard
Classification: Pathogenic. Last evaluated: 2019-02-07. Review status: no assertion criteria provided. Collection method: research. Allele origin: de novo. Inheritance: Autosomal dominant inheritance. Affected: yes.
Comment: This deletion covers over 35 protein-coding RefSeq genes, at least one of which has been shown to be haploinsufficient. This deletion overlaps with the KMT2E variant which is reported to have, at least 29 de novo variants, of which 15 have confirmed maternity and paternity. In summary, this variant meets criteria to be classified as pathogenic.

GRCh37/hg19 7q22.3-31.1(chr7:104506008-107408857)

Genes: DUS4L (dihydrouridine synthase 4 like; plus strand), GPR22 (G protein-coupled receptor 22; plus strand), HBP1 (HMG-box transcription factor 1; plus strand), PUS7 (pseudouridine synthase 7; minus strand), RINT1 (RAD50 interactor 1; plus strand) and 15 more. Cytogenetic location: 7q22.3-31.1.
Variant type: copy number loss.
Identifiers: ClinVar variation 805920 (VCV000805920.1).